The following is an entry in ClinVar:

ClinVar aggregate classification (germline): Uncertain significance (1 of 4 stars; one submission).

Submission:

Labcorp Genetics (formerly Invitae), Labcorp
Classification: Uncertain significance. Last evaluated: 2026-01-17. Review status: criteria provided, single submitter. Criteria: Invitae Variant Classification Sherloc (09022015). Collection method: clinical testing. Allele origin: germline.
Comment: This sequence change replaces glycine, which is neutral and non-polar, with arginine, which is basic and polar, at codon 285 of the DCHS1 protein (p.Gly285Arg). This variant is not present in population databases (gnomAD no frequency). This variant has not been reported in the literature in individuals affected with DCHS1-related conditions. Invitae Evidence Modeling of protein sequence and biophysical properties (such as structural, functional, and spatial information, amino acid conservation, physicochemical variation, residue mobility, and thermodynamic stability) indicates that this missense variant is not expected to disrupt DCHS1 protein function with a negative predictive value of 80%. In summary, the available evidence is currently insufficient to determine the role of this variant in disease. Therefore, it has been classified as a Variant of Uncertain Significance.

NM_003737.4(DCHS1):c.853G>C (p.Gly285Arg)

Gene: DCHS1 (dachsous cadherin-related 1; minus strand). Cytogenetic location: 11p15.4.
Variant type: single nucleotide variant.
Coding change: c.853G>C on transcript NM_003737.4 (MANE Select); coding-DNA position 853, G replaced by C.
Protein change: p.Gly285Arg; replaces glycine 285 with arginine.
Molecular consequence: missense variant.
Genome position (GRCh38, 1-based): chr11:6,640,761, C>G on the plus strand (G>C on the coding strand, the complement: DCHS1 is on the minus strand). VCF-style: chr11-6640761-C-G. GRCh37 (hg19) VCF-style: chr11-6661992-C-G.
Other names: short protein forms G285R.
Identifiers: ClinVar variation 4744175 (VCV004744175.1).
Genomic context (GRCh38, chr11:6,640,761, plus strand): 5'-AGGGTCCATCACCCTCGCTCTGCCTCCGGTTGATCTCGTAAGTCACAGCCCCATTGACAC[C>G]AGCATCGGCATCAGATGCGAACACCTGCAAGACAGGACTGCCAGGGGCCAGGCTCTCAGA-3'
Protein context (NP_003728.1, residues 275-295): LQVFASDADA[Gly285Arg]VNGAVTYEIN